The following is an entry in ClinVar:

ClinVar aggregate classification (germline): Conflicting classifications of pathogenicity. Review status: criteria provided, conflicting classifications (1 of 4 stars). 3 submissions from 3 submitters: Likely pathogenic (2); Uncertain significance (1). Last evaluated 2025-07-20.

Conditions:
Autosomal dominant Robinow syndrome 1. Also called: ACRAL DYSOSTOSIS WITH FACIAL AND GENITAL ABNORMALITIES; FETAL FACE SYNDROME; WNT5A-Related Robinow Syndrome, Autosomal Dominant; ROBINOW DWARFISM; Covesdem syndrome (formerly); Costovertebral segmentation defect with mesomelia (formerly). Identifiers: Orphanet 3107, Orphanet 97360, MedGen C4551475, MONDO:0024455, OMIM 180700.

Submissions (3):

Labcorp Genetics (formerly Invitae), Labcorp
Classification: Uncertain significance. Last evaluated: 2025-07-20. Review status: criteria provided, single submitter. Criteria: Invitae Variant Classification Sherloc (09022015). Collection method: clinical testing. Allele origin: germline.
Comment: This sequence change replaces glycine, which is neutral and non-polar, with arginine, which is basic and polar, at codon 163 of the WNT5A protein (p.Gly163Arg). This variant is not present in population databases (gnomAD no frequency). This variant has not been reported in the literature in individuals affected with WNT5A-related conditions. ClinVar contains an entry for this variant (Variation ID: 160316). Invitae Evidence Modeling of protein sequence and biophysical properties (such as structural, functional, and spatial information, amino acid conservation, physicochemical variation, residue mobility, and thermodynamic stability) has been performed for this missense variant. However, the output from this modeling did not meet the statistical confidence thresholds required to predict the impact of this variant on WNT5A protein function. In summary, the available evidence is currently insufficient to determine the role of this variant in disease. Therefore, it has been classified as a Variant of Uncertain Significance.

Genetic Services Laboratory, University of Chicago
Classification: Likely pathogenic for Robinow syndrome, autosomal dominant 1. Last evaluated: 2017-06-22. Review status: criteria provided, single submitter. Criteria: ACMG Guidelines, 2015. Collection method: clinical testing. Allele origin: germline. Affected: yes.

Centre for Mendelian Genomics, University Medical Centre Ljubljana
Classification: Likely pathogenic for Autosomal dominant Robinow syndrome 1. Last evaluated: 2016-01-01. Review status: criteria provided, single submitter. Criteria: ACMG Guidelines, 2015. Collection method: clinical testing. Allele origin: unknown. Affected: yes.
Comment: This variant was classified as: Likely pathogenic.

NM_003392.7(WNT5A):c.487G>C (p.Gly163Arg)

Gene: WNT5A (Wnt family member 5A; minus strand). Cytogenetic location: 3p14.3.
Variant type: single nucleotide variant.
Coding change: c.487G>C on transcript NM_003392.7 (MANE Select); coding-DNA position 487, G replaced by C.
Protein change: p.Gly163Arg; replaces glycine 163 with arginine.
Molecular consequence: missense variant.
Genome position (GRCh38, 1-based): chr3:55,474,534, C>G on the plus strand (G>C on the coding strand, the complement: WNT5A is on the minus strand). VCF-style: chr3-55474534-C-G. GRCh37 (hg19) VCF-style: chr3-55508562-C-G.
Other names: c.442G>C, p.Gly148Arg (NM_001256105.1, NM_001377271.1, NM_001377272.1); short protein forms G163R, G148R.
Identifiers: ClinVar variation 160316 (VCV000160316.14), dbSNP rs587784562, ClinGen allele CA272818.